The following is an entry in ClinVar:

NM_001985.3(ETFB):c.426_427insTTTTTTTTTTTTTTTTTTTTNNNNNNNNNNTCTCCTGACCTCTAGATCCACCCGCCTCGGCCTCCCCAAGTGCTGGGATTACAGGCGTGAGCCACCGCGCCCGGCCGACAGCTGGATTTCTT (p.Asp143delinsPhePhePhePhePhePheXaaXaaXaaXaaSerProAspLeuTer)

Gene: ETFB (electron transfer flavoprotein subunit beta; minus strand). Cytogenetic location: 19q13.41.
Variant type: Insertion.
Coding change: c.426_427insTTTTTTTTTTTTTTTTTTTTNNNNNNNNNNTCTCCTGACCTCTAGATCCACCCGCCTCGGCCTCCCCAAGTGCTGGGATTACAGGCGTGAGCCACCGCGCCCGGCCGACAGCTGGATTTCTT on transcript NM_001985.3 (MANE Select); coding-DNA positions 426 to 427, TTTTTTTTTTTTTTTTTTTTNNNNNNNNNNTCTCCTGACCTCTAGATCCACCCGCCTCGGCCTCCCCAAGTGCTGGGATTACAGGCGTGAGCCACCGCGCCCGGCCGACAGCTGGATTTCTT inserted.
Protein change: p.Asp143delinsPhePhePhePhePhePheXaaXaaXaaXaaSerProAspLeuTer.
Molecular consequence: nonsense.
Genome position: GRCh38: chr19:51,350,356-51,350,357. GRCh37 (hg19): chr19:51,853,610-51,853,611.
Other names: c.699_700insTTTTTTTTTTTTTTTTTTTTNNNNNNNNNNTCTCCTGACCTCTAGATCCACCCGCCTCGGCCTCCCCAAGTGCTGGGATTACAGGCGTGAGCCACCGCGCCCGGCCGACAGCTGGATTTCTT, p.Asp234delinsPhePhePhePhePhePheXaaXaaXaaXaaSerProAspLeuTer (NM_001014763.1).
Identifiers: ClinVar variation 1416429 (VCV001416429.6), dbSNP rs2123580195.

ClinVar aggregate classification (germline): Pathogenic (1 of 4 stars; one submission).

Conditions:
Multiple acyl-CoA dehydrogenase deficiency (MADD). Also called: Glutaric aciduria, type 2; Glutaric acidemia type II; GA 2; Glutaric Acidemia type 2; ETHYLMALONIC-ADIPICACIDURIA; GA II. Identifiers: Orphanet 26791, MedGen C0268596, MONDO:0009282, OMIM 231680.

Submission:

Labcorp Genetics (formerly Invitae), Labcorp
Classification: Pathogenic for Multiple acyl-CoA dehydrogenase deficiency. Last evaluated: 2024-03-06. Review status: criteria provided, single submitter. Criteria: Invitae Variant Classification Sherloc (09022015). Collection method: clinical testing. Allele origin: germline.
Comment: This sequence change inserts a large fragment of DNA, likely a transposable element, in exon 4 of the ETFB gene (c.426_427ins?), causing a frameshift at codon 143 (p.143fs). The exact size and sequence of the insertion cannot be determined by the current assay. However, the insertion is expected to result in an absent or disrupted protein product. This variant is not present in population databases (gnomAD no frequency). This variant has not been reported in the literature in individuals affected with ETFB-related conditions. Retrotransposon insertions including LINE1 (L1), Alu, and SVA (SINE-VNTR-Alu) have been reported to be disease-causing through disruption of either a coding region or splice site (PMID: 19763152, 20307669, 22406018) and loss-of-function variants in ETFB are known to be pathogenic (PMID: 16510302, 23785301). For these reasons, this variant has been classified as Pathogenic.

Literature cited by the submitters: PubMed 19763152; PubMed 20307669; PubMed 22406018; PubMed 16510302; PubMed 23785301.